The following is an entry in ClinVar:

NM_024675.4(PALB2):c.1082_1120del (p.Thr361_Glu373del)

Gene: PALB2 (partner and localizer of BRCA2; minus strand). Cytogenetic location: 16p12.2.
Variant type: Deletion.
Coding change: c.1082_1120del on transcript NM_024675.4 (MANE Select); coding-DNA positions 1082 to 1120, 39 bases deleted.
Protein change: p.Thr361_Glu373del.
Molecular consequence: inframe deletion.
Genome position (GRCh38, 1-based): chr16:23,635,426-23,635,464, 39 bases deleted; deleting any 39 consecutive bases within chr16:23,635,426-23,635,465 gives the same sequence; the c. name uses the placement nearest the transcript's 3' end. GRCh37 (hg19): chr16:23,646,748-23,646,786.
Other names: c.1082_1120del39 (NM_024675.3).
Identifiers: ClinVar variation 482034 (VCV000482034.15), dbSNP rs1555461441, ClinGen allele CA658658429.

ClinVar aggregate classification (germline): Uncertain significance. Review status: criteria provided, multiple submitters, no conflicts (2 of 4 stars). 2 submissions from 2 submitters: Uncertain significance (2). Last evaluated 2021-03-22.

Conditions:
Hereditary cancer-predisposing syndrome. Also called: Neoplastic Syndromes, Hereditary; Tumor predisposition; Hereditary Cancer Syndrome; Hereditary neoplastic syndrome. Identifiers: Orphanet 140162, MedGen C0027672, MeSH D009386, MONDO:0015356.
Familial cancer of breast. Also called: BREAST CANCER, FAMILIAL; Hereditary breast cancer; hereditary breast carcinoma. Identifiers: Orphanet 227535, MedGen C0346153, MONDO:0016419, OMIM 114480. Disease mechanism: loss of function.

Submissions (2):

Labcorp Genetics (formerly Invitae), Labcorp
Classification: Uncertain significance for Familial cancer of breast. Last evaluated: 2021-03-22. Review status: criteria provided, single submitter. Criteria: Invitae Variant Classification Sherloc (09022015). Collection method: clinical testing. Allele origin: germline.
Comment: In summary, the available evidence is currently insufficient to determine the role of this variant in disease. Therefore, it has been classified as a Variant of Uncertain Significance. Experimental studies and prediction algorithms are not available or were not evaluated, and the functional significance of this variant is currently unknown. This variant has not been reported in the literature in individuals with PALB2-related conditions. ClinVar contains an entry for this variant (Variation ID: 482034). This variant is not present in population databases (ExAC no frequency). This variant, c.1082_1120del, results in the deletion of 13 amino acid(s) of the PALB2 protein (p.Thr361_Glu373del), but otherwise preserves the integrity of the reading frame.

Ambry Genetics
Classification: Uncertain significance for Hereditary cancer-predisposing syndrome. Last evaluated: 2016-07-25. Review status: criteria provided, single submitter. Criteria: Ambry Variant Classification Scheme 2023. Collection method: clinical testing. Allele origin: germline.
Comment: The c.1082_1120del39 variant (also known as p.T361_E373del) is located in coding exon 4 of the PALB2 gene. This variant results from an in-frame deletion of 39 nucleotides, at nucleotide positions 1082 to 1120. This results in the in-frame deletion of 13 residues between codons 361 and 373. This variant was not reported in population based cohorts in the following databases: Database of Single Nucleotide Polymorphisms (dbSNP), NHLBI Exome Sequencing Project (ESP), and 1000 Genomes Project. In the ESP, this variant was not observed in 6497 samples (12994 alleles) with coverage at this position. To date, this alteration has been detected with an allele frequency of approximately 0.0004% (greater than 225000 alleles tested) in our clinical cohort. These nucleotide positions are not conserved in available vertebrate species. Since supporting evidence is limited at this time, the clinical significance of this alteration remains unclear.